The following is an entry in ClinVar:

ClinVar aggregate classification (germline): Likely benign (1 of 4 stars; one submission).

Submission:

CeGaT Center for Human Genetics Tuebingen
Classification: Likely benign. Last evaluated: 2024-08-01. Review status: criteria provided, single submitter. Criteria: CeGaT Center For Human Genetics Tuebingen Variant Classification Criteria Version 2. Collection method: clinical testing. Allele origin: germline. Affected: yes. Observed: 1 variant allele.
Comment: PCDH9: PM2:Supporting, BP4, BP7

NM_203487.3(PCDH9):c.594A>G (p.Gly198=)

Gene: PCDH9 (protocadherin 9; minus strand). Cytogenetic location: 13q21.32.
Variant type: single nucleotide variant.
Coding change: c.594A>G on transcript NM_203487.3 (MANE Select); coding-DNA position 594, A replaced by G.
Protein change: p.Gly198=; no amino-acid change (glycine 198 retained).
Molecular consequence: synonymous variant.
Genome position (GRCh38, 1-based): chr13:67,227,847, T>C on the plus strand (A>G on the coding strand, the complement: PCDH9 is on the minus strand). VCF-style: chr13-67227847-T-C. GRCh37 (hg19) VCF-style: chr13-67801979-T-C.
Other names: c.594A>G, p.Gly198= (NM_001318372.2, NM_001318373.2, NM_001318374.2 and 1 more transcripts).
Identifiers: ClinVar variation 3342134 (VCV003342134.16).